The following is an entry in ClinVar:

ClinVar aggregate classification (germline): Uncertain significance. Review status: criteria provided, multiple submitters, no conflicts (2 of 4 stars). 2 submissions from 2 submitters: Uncertain significance (2). Last evaluated 2025-07-20.

Conditions:
GATA4-related disorder. Also called: GATA4-related condition. Identifiers: MedGen CN860321.
Atrioventricular septal defect 4 (AVSD4). Identifiers: MedGen C3280781, MONDO:0013747, OMIM 614430.

Allele frequency attached by ClinVar (database versions not stated): ExAC 0.00001.
gnomAD v4.1: 9 of 1,614,228 alleles (0.00056%); highest among the groups gnomAD compares: Admixed American, 0.01%; no homozygotes.

Submissions (2):

Labcorp Genetics (formerly Invitae), Labcorp
Classification: Uncertain significance for Atrioventricular septal defect 4. Last evaluated: 2025-07-20. Review status: criteria provided, single submitter. Criteria: Invitae Variant Classification Sherloc (09022015). Collection method: clinical testing. Allele origin: germline.
Comment: This sequence change replaces leucine, which is neutral and non-polar, with methionine, which is neutral and non-polar, at codon 403 of the GATA4 protein (p.Leu403Met). This variant is present in population databases (rs777778466, gnomAD 0.02%). This missense change has been observed in individual(s) with GATA4-related conditions (PMID: 17643447, 21631294). ClinVar contains an entry for this variant (Variation ID: 2637134). Invitae Evidence Modeling of protein sequence and biophysical properties (such as structural, functional, and spatial information, amino acid conservation, physicochemical variation, residue mobility, and thermodynamic stability) has been performed for this missense variant. However, the output from this modeling did not meet the statistical confidence thresholds required to predict the impact of this variant on GATA4 protein function. Experimental studies are conflicting or provide insufficient evidence to determine the effect of this variant on GATA4 function (PMID: 35418170). In summary, the available evidence is currently insufficient to determine the role of this variant in disease. Therefore, it has been classified as a Variant of Uncertain Significance.

PreventionGenetics, part of Exact Sciences
Classification: Uncertain significance for GATA4-related condition. Last evaluated: 2022-10-10. Review status: criteria provided, single submitter. Criteria: ACMG Guidelines, 2015. Collection method: clinical testing. Allele origin: germline.
Comment: The GATA4 c.1207C>A variant is predicted to result in the amino acid substitution p.Leu403Met. This variant has been reported in individuals with sporadic hypoplastic right ventricle and atrial septal defect-ventricular septal defect (ASD-VSD) (Rajagopal et al. 2007. PubMed ID: 17643447; Dinesh et al. 2011. PubMed ID: 21631294). Structural analysis of the protein determined that this variant impacts structure (Dinesh et al. 2011. PubMed ID: 21631294). This variant is reported in 0.017% of alleles in individuals of Latino descent in gnomAD. At this time, the clinical significance of this variant is uncertain due to the absence of conclusive functional and genetic evidence.

Literature cited by the submitters: PubMed 17643447 (cited by Labcorp Genetics (formerly Invitae), Labcorp); PubMed 21631294 (cited by Labcorp Genetics (formerly Invitae), Labcorp); PubMed 35418170 (cited by Labcorp Genetics (formerly Invitae), Labcorp).

NM_001308093.3(GATA4):c.1210C>A (p.Leu404Met)

Gene: GATA4 (GATA binding protein 4). Cytogenetic location: 8p23.1.
Variant type: single nucleotide variant.
Coding change: c.1210C>A on transcript NM_001308093.3 (MANE Select); coding-DNA position 1210, C replaced by A.
Protein change: p.Leu404Met; replaces leucine 404 with methionine.
Molecular consequence: missense variant.
Genome position (GRCh38, 1-based): chr8:11,758,353, C>A. VCF-style: chr8-11758353-C-A. GRCh37 (hg19) VCF-style: chr8-11615862-C-A.
Other names: c.589C>A, p.Leu197Met (NM_001308094.2, NM_001374273.1); c.463C>A, p.Leu155Met (NM_001374274.1); c.1207C>A, p.Leu403Met (NM_002052.5); short protein forms L155M, L197M, L403M, L404M.
Identifiers: ClinVar variation 2637134 (VCV002637134.4), dbSNP rs777778466, ClinGen allele CA4630889.